The following is an entry in ClinVar:

NM_001308093.3(GATA4):c.89C>T (p.Ala30Val)

Gene: GATA4 (GATA binding protein 4). Cytogenetic location: 8p23.1.
Variant type: single nucleotide variant.
Coding change: c.89C>T on transcript NM_001308093.3 (MANE Select); coding-DNA position 89, C replaced by T.
Protein change: p.Ala30Val; replaces alanine 30 with valine.
Molecular consequence: missense variant. On other transcripts: intron variant (3).
Genome position (GRCh38, 1-based): chr8:11,708,401, C>T. VCF-style: chr8-11708401-C-T. GRCh37 (hg19) VCF-style: chr8-11565910-C-T.
Other names: c.89C>T (NM_002052.3); c.89C>T, p.Ala30Val (NM_002052.5); c.-6+7623C>T (NM_001308094.2); c.-3+387C>T (NM_001374274.1); c.-3+4097C>T (NM_001374273.1); short protein forms A30V.
Identifiers: ClinVar variation 2071518 (VCV002071518.5), dbSNP rs749821814, ClinGen allele CA4630603.

ClinVar aggregate classification (germline): Uncertain significance. Review status: criteria provided, multiple submitters, no conflicts (2 of 4 stars). 2 submissions from 2 submitters: Uncertain significance (2). Last evaluated 2025-05-07.

Conditions:
Atrioventricular septal defect 4 (AVSD4). Identifiers: MedGen C3280781, MONDO:0013747, OMIM 614430.
Cardiovascular phenotype. Identifiers: MedGen CN230736.

Allele frequency attached by ClinVar (database versions not stated): ExAC 0.00007; TOPMed 0.00001; gnomAD exomes below 0.00001.
gnomAD v4.1: 1 of 1,541,396 alleles (0.000065%); highest among the groups gnomAD compares: Non-Finnish European, 0.000087%; no homozygotes.

Submissions (2):

Ambry Genetics
Classification: Uncertain significance for Cardiovascular phenotype. Last evaluated: 2025-05-07. Review status: criteria provided, single submitter. Criteria: Ambry Variant Classification Scheme 2023. Collection method: clinical testing. Allele origin: germline.

Labcorp Genetics (formerly Invitae), Labcorp
Classification: Uncertain significance for Atrioventricular septal defect 4. Last evaluated: 2023-09-08. Review status: criteria provided, single submitter. Criteria: Invitae Variant Classification Sherloc (09022015). Collection method: clinical testing. Allele origin: germline.
Comment: In summary, the available evidence is currently insufficient to determine the role of this variant in disease. Therefore, it has been classified as a Variant of Uncertain Significance. An algorithm developed to predict the effect of missense changes on protein structure and function (PolyPhen-2) suggests that this variant is likely to be tolerated. ClinVar contains an entry for this variant (Variation ID: 2071518). This variant has not been reported in the literature in individuals affected with GATA4-related conditions. This variant is present in population databases (rs749821814, gnomAD 0.03%). This sequence change replaces alanine, which is neutral and non-polar, with valine, which is neutral and non-polar, at codon 30 of the GATA4 protein (p.Ala30Val).